The following is an entry in ClinVar:

ClinVar aggregate classification (germline): Uncertain significance (1 of 4 stars; one submission).

gnomAD v4.1: 2 of 1,614,252 alleles (0.00012%); highest among the groups gnomAD compares: Admixed American, 0.0017%; no homozygotes.

Submission:

GeneDx
Classification: Uncertain significance. Last evaluated: 2025-07-05. Review status: criteria provided, single submitter. Criteria: GeneDx Variant Classification Process June 2021. Collection method: clinical testing. Allele origin: germline. Affected: yes.
Comment: In silico analysis suggests that this missense variant does not alter protein structure/function; Has not been previously published as pathogenic or benign to our knowledge; This variant is associated with the following publications: (PMID: 25512093, 25609763, 26100331)

NM_001376.5(DYNC1H1):c.13894C>T (p.Pro4632Ser)

Gene: DYNC1H1 (dynein cytoplasmic 1 heavy chain 1; plus strand). Cytogenetic location: 14q32.31.
Variant type: single nucleotide variant.
Coding change: c.13894C>T on transcript NM_001376.5 (MANE Select); coding-DNA position 13894, C replaced by T.
Protein change: p.Pro4632Ser; replaces proline 4632 with serine.
Molecular consequence: missense variant.
Genome position (GRCh38, 1-based): chr14:102,050,516, C>T. VCF-style: chr14-102050516-C-T. GRCh37 (hg19) VCF-style: chr14-102516853-C-T.
Other names: short protein forms P4632S.
Identifiers: ClinVar variation 4681141 (VCV004681141.1).